The following is an entry in ClinVar:

NM_004415.4(DSP):c.5134A>T (p.Asn1712Tyr)

Gene: DSP (desmoplakin; plus strand). Cytogenetic location: 6p24.3.
Variant type: single nucleotide variant.
Coding change: c.5134A>T on transcript NM_004415.4 (MANE Select); coding-DNA position 5134, A replaced by T.
Protein change: p.Asn1712Tyr; replaces asparagine 1712 with tyrosine.
Molecular consequence: missense variant. On other transcripts: intron variant (2).
Genome position (GRCh38, 1-based): chr6:7,581,324, A>T. VCF-style: chr6-7581324-A-T. GRCh37 (hg19) VCF-style: chr6-7581557-A-T.
Other names: c.4050+1084A>T (NM_001319034.2); c.3583-1318A>T (NM_001008844.3); short protein forms N1712Y.
Identifiers: ClinVar variation 1172282 (VCV001172282.3), dbSNP rs2113695647, ClinGen allele CA362687927.

ClinVar aggregate classification (germline): Uncertain significance (1 of 4 stars; one submission).

Conditions:
Cardiomyopathy (CMYO). Also called: Cardiomyopathies. Identifiers: Orphanet 167848, MedGen C0878544, MONDO:0004994, HP:0001638. Inheritance: Various modes of inheritance.

Submission:

Color Diagnostics, LLC DBA Color Health
Classification: Uncertain significance for Cardiomyopathy. Last evaluated: 2024-03-06. Review status: criteria provided, single submitter. Criteria: ACMG Guidelines, 2015. Collection method: clinical testing. Allele origin: germline.
Comment: This missense variant replaces asparagine with tyrosine at codon 1712 of the DSP protein. Computational prediction suggests that this variant may not impact protein structure and function (internally defined REVEL score threshold <= 0.5, PMID: 27666373). To our knowledge, functional studies have not been reported for this variant. This variant has not been reported in individuals affected with cardiovascular disorders in the literature. This variant has not been identified in the general population by the Genome Aggregation Database (gnomAD). The available evidence is insufficient to determine the role of this variant in disease conclusively. Therefore, this variant is classified as a Variant of Uncertain Significance.